The following is an entry in ClinVar:

NM_000135.4(FANCA):c.2732G>C (p.Trp911Ser)

Gene: FANCA (FA complementation group A; minus strand). Cytogenetic location: 16q24.3.
Variant type: single nucleotide variant.
Coding change: c.2732G>C on transcript NM_000135.4 (MANE Select); coding-DNA position 2732, G replaced by C.
Protein change: p.Trp911Ser; replaces tryptophan 911 with serine.
Molecular consequence: missense variant.
Genome position (GRCh38, 1-based): chr16:89,764,936, C>G on the plus strand (G>C on the coding strand, the complement: FANCA is on the minus strand). VCF-style: chr16-89764936-C-G. GRCh37 (hg19) VCF-style: chr16-89831344-C-G.
Other names: c.2732G>C, p.Trp911Ser (NM_001286167.3); short protein forms W911S.
Identifiers: ClinVar variation 5036324 (VCV005036324.1).
Genomic context (GRCh38, chr16:89,764,936, plus strand): 5'-GAACGGTCACCTACGTGAACATCTTCCTCTTTCAACACCTCTCGGAAGGTTCTGTGTGTC[C>G]AGAGAGAGAGGGCAGCTCTCTGCCAGTCTGCAGAAGGAAGGTGCAAGGGTCTCCAGGAAA-3'
Protein context (NP_000126.2, residues 901-921): ADWQRAALSL[Trp911Ser]THRTFREVLK

ClinVar aggregate classification (germline): Uncertain significance (1 of 4 stars; one submission).

Conditions:
Inborn genetic diseases. Identifiers: MedGen C0950123, MeSH D030342.

Submission:

Ambry Genetics
Classification: Uncertain significance for Inborn genetic diseases. Last evaluated: 2026-06-27. Review status: criteria provided, single submitter. Criteria: Ambry Variant Classification Scheme 2023. Collection method: clinical testing. Allele origin: germline.
Comment: The p.W911S variant (also known as c.2732G>C), located in coding exon 28 of the FANCA gene, results from a G to C substitution at nucleotide position 2732. The tryptophan at codon 911 is replaced by serine, an amino acid with highly dissimilar properties. This amino acid position is conserved. In addition, this alteration is predicted to be deleterious by in silico analysis. Based on the available evidence, the clinical significance of this variant remains unclear.